The following is an entry in ClinVar:

ClinVar aggregate classification (germline): Uncertain significance (1 of 4 stars; one submission).

Conditions:
Immunodeficiency 35 (IMD35). Also called: HIES WITH ATYPICAL MYCOBACTERIOSIS, AUTOSOMAL RECESSIVE; HYPER-IgE SYNDROME WITH ATYPICAL MYCOBACTERIOSIS, AUTOSOMAL RECESSIVE; TYK2 DEFICIENCY; Susceptibility to infection due to TYK2 deficiency. Identifiers: Orphanet 331226, MedGen C1969086, MONDO:0012682, OMIM 611521.

Allele frequency attached by ClinVar (database versions not stated): gnomAD exomes below 0.00001.
gnomAD v4.1: 2 of 1,482,534 alleles (0.00013%); highest among the groups gnomAD compares: Non-Finnish European, 0.00018%; no homozygotes.

Submission:

Labcorp Genetics (formerly Invitae), Labcorp
Classification: Uncertain significance for Immunodeficiency 35. Last evaluated: 2023-10-23. Review status: criteria provided, single submitter. Criteria: Invitae Variant Classification Sherloc (09022015). Collection method: clinical testing. Allele origin: germline.
Comment: This sequence change replaces leucine, which is neutral and non-polar, with proline, which is neutral and non-polar, at codon 986 of the TYK2 protein (p.Leu986Pro). This variant is not present in population databases (gnomAD no frequency). This variant has not been reported in the literature in individuals affected with TYK2-related conditions. Advanced modeling of protein sequence and biophysical properties (such as structural, functional, and spatial information, amino acid conservation, physicochemical variation, residue mobility, and thermodynamic stability) performed at Invitae indicates that this missense variant is expected to disrupt TYK2 protein function with a positive predictive value of 80%. In summary, the available evidence is currently insufficient to determine the role of this variant in disease. Therefore, it has been classified as a Variant of Uncertain Significance.

NM_003331.5(TYK2):c.2957T>C (p.Leu986Pro)

Gene: TYK2 (tyrosine kinase 2; minus strand). Cytogenetic location: 19p13.2.
Variant type: single nucleotide variant.
Coding change: c.2957T>C on transcript NM_003331.5 (MANE Select); coding-DNA position 2957, T replaced by C.
Protein change: p.Leu986Pro; replaces leucine 986 with proline.
Molecular consequence: missense variant.
Genome position (GRCh38, 1-based): chr19:10,353,598, A>G on the plus strand (T>C on the coding strand, the complement: TYK2 is on the minus strand). VCF-style: chr19-10353598-A-G. GRCh37 (hg19) VCF-style: chr19-10464274-A-G.
Other names: c.2957T>C, p.Leu986Pro (NM_001385197.1, NM_001385198.1, NM_001406461.1); c.2771T>C, p.Leu924Pro (NM_001385199.1); c.2954T>C, p.Leu985Pro (NM_001385200.1); c.2759T>C, p.Leu920Pro (NM_001385201.1); c.2873T>C, p.Leu958Pro (NM_001385202.1); c.3038T>C, p.Leu1013Pro (NM_001385203.1); c.3167T>C, p.Leu1056Pro (NM_001385204.1); c.2867T>C, p.Leu956Pro (NM_001385205.1); and 2 more; short protein forms L1056P, L958P, L956P, L985P, L944P, L980P, L986P, L1013P.
Identifiers: ClinVar variation 2771395 (VCV002771395.3), dbSNP rs2512461076, ClinGen allele CA403985367.